The following is an entry in ClinVar:

NM_133259.4(LRPPRC):c.811del (p.Leu271fs)

Gene: LRPPRC (leucine rich pentatricopeptide repeat containing; minus strand). Cytogenetic location: 2p21.
Variant type: Deletion.
Coding change: c.811del on transcript NM_133259.4 (MANE Select); coding-DNA position 811, one base deleted (C; older notation c.811delC).
Protein change: p.Leu271fs; shifts the reading frame from leucine 271.
Molecular consequence: frameshift variant.
Genome position (GRCh38, 1-based): chr2:43,975,144, G deleted on the plus strand (C on the coding strand, the reverse complement: LRPPRC is on the minus strand); the first of 2 consecutive G bases (chr2:43,975,144-43,975,145); deleting either gives the same sequence. VCF-style (leftmost placement, unchanged base first): chr2-43975143-AG-A. GRCh37 (hg19) VCF-style: chr2-44202282-AG-A.
Other names: short protein forms L271fs.
Identifiers: ClinVar variation 1726624 (VCV001726624.2), dbSNP rs2466668557, ClinGen allele CA2580066952.

ClinVar aggregate classification (germline): Likely pathogenic (1 of 4 stars; one submission).

Conditions:
Congenital lactic acidosis, Saguenay-Lac-Saint-Jean type (MC4DN5). Also called: CYTOCHROME c OXIDASE DEFICIENCY, FRENCH CANADIAN TYPE; COX DEFICIENCY, FRENCH CANADIAN TYPE; MITOCHONDRIAL COMPLEX IV DEFICIENCY, NUCLEAR TYPE 5. Identifiers: Orphanet 70472, MedGen C1857355, MONDO:0009069, OMIM 220111.

Submission:

Myriad Genetics, Inc.
Classification: Likely pathogenic for Congenital lactic acidosis, Saguenay-Lac-Saint-Jean type. Last evaluated: 2021-12-29. Review status: criteria provided, single submitter. Criteria: Myriad Women's Health Autosomal Recessive and X-Linked Classification Criteria (2021). Collection method: clinical testing. Allele origin: unknown.
Comment: NM_133259.3(LRPPRC):c.811delC(L271Sfs*4) is expected to be pathogenic in the context of Leigh syndrome, French-Canadian type. This variant is predicted to lead to an abnormal or absent protein product due to the creation of a premature termination codon in LRPPRC, a gene where loss-of-function variants are known to be pathogenic. Please note: this variant was assessed in the context of healthy population screening.